The following is an entry in ClinVar:

NM_001367624.2(ZNF469):c.1624G>A (p.Gly542Ser)

Gene: ZNF469 (zinc finger protein 469; plus strand). Cytogenetic location: 16q24.2.
Variant type: single nucleotide variant.
Coding change: c.1624G>A on transcript NM_001367624.2 (MANE Select); coding-DNA position 1624, G replaced by A.
Protein change: p.Gly542Ser; replaces glycine 542 with serine.
Molecular consequence: missense variant.
Genome position (GRCh38, 1-based): chr16:88,429,094, G>A. VCF-style: chr16-88429094-G-A. GRCh37 (hg19) VCF-style: chr16-88495502-G-A.
Other names: NM_001127464.1:c.1624G>A; short protein forms G542S.
Identifiers: ClinVar variation 1776668 (VCV001776668.2), dbSNP rs2507575523, ClinGen allele CA397067940.
Genomic context (GRCh38, chr16:88,429,094, plus strand): 5'-GGCACTGCTGGCAAGACACCGGGACCCAGAGAGAAGCTGCCAGCCGTGAGAAGCAGCCAG[G>A]GCGGCTCCCCAGCACTGTTCACCTACAACGGAATGACAGACCCTGGGGCTCAGCCCCTGT-3'
Protein context (NP_001354553.1, residues 532-552): EKLPAVRSSQ[Gly542Ser]GSPALFTYNG

ClinVar aggregate classification (germline): Uncertain significance (1 of 4 stars; one submission).

Conditions:
Cardiovascular phenotype. Identifiers: MedGen CN230736.

Allele frequency attached by ClinVar (database versions not stated): gnomAD exomes 0.00001.
gnomAD v4.1: 8 of 1,549,990 alleles (0.00052%); highest among the groups gnomAD compares: Non-Finnish European, 0.0007%; no homozygotes.

Submission:

Ambry Genetics
Classification: Uncertain significance for Cardiovascular phenotype. Last evaluated: 2021-02-19. Review status: criteria provided, single submitter. Criteria: Ambry Variant Classification Scheme 2023. Collection method: clinical testing. Allele origin: germline.
Comment: The p.G542S variant (also known as c.1624G>A), located in coding exon 1 of the ZNF469 gene, results from a G to A substitution at nucleotide position 1624. The glycine at codon 542 is replaced by serine, an amino acid with similar properties. This amino acid position is not well conserved in available vertebrate species. In addition, this alteration is predicted to be tolerated by in silico analysis. Since supporting evidence is limited at this time, the clinical significance of this alteration remains unclear.